The following is an entry in ClinVar:

NM_014363.6(SACS):c.10106T>C (p.Val3369Ala)

Gene: SACS (sacsin molecular chaperone; minus strand). Cytogenetic location: 13q12.12.
Variant type: single nucleotide variant.
Coding change: c.10106T>C on transcript NM_014363.6 (MANE Select); coding-DNA position 10106, T replaced by C.
Protein change: p.Val3369Ala; replaces valine 3369 with alanine.
Molecular consequence: missense variant.
Genome position (GRCh38, 1-based): chr13:23,333,770, A>G on the plus strand (T>C on the coding strand, the complement: SACS is on the minus strand). VCF-style: chr13-23333770-A-G. GRCh37 (hg19) VCF-style: chr13-23907909-A-G.
Other names: c.9665T>C, p.Val3222Ala (NM_001278055.2); short protein forms V3369A, V3222A.
Identifiers: ClinVar variation 130199 (VCV000130199.39), dbSNP rs17078605, ClinGen allele CA155036.
Genomic context (GRCh38, chr13:23,333,770, plus strand): 5'-ATCAAAAGTGCCTCAAAATCATTTTCTACTAATTTTTCTGCTCTAAATGTTGAAGTTTGG[A>G]CCATATAATGTAGAGCCTTCAAGATGCTTGTGGGGCTCTCTATATTTGCTGTGTGACATG-3'
Protein context (NP_055178.3, residues 3359-3379): TSILKALHYM[Val3369Ala]QTSTFRAEKL

ClinVar aggregate classification (germline): Benign/Likely benign. Review status: criteria provided, multiple submitters, no conflicts (2 of 4 stars). 12 submissions from 12 submitters: Benign (5); Likely benign (2). 5 of the submissions do not count toward it. Last evaluated 2026-02-04.

Conditions:
Hereditary spastic paraplegia. Also called: Familial spastic paraparesis. Identifiers: Orphanet 685, MedGen C0037773, MONDO:0019064. Disease mechanism: loss of function.
Charlevoix-Saguenay spastic ataxia (SACS). Also called: SPASTIC ATAXIA 6, AUTOSOMAL RECESSIVE; AUTOSOMAL RECESSIVE SPASTIC ATAXIA OF CHARLEVOIX-SAGUENAY; Spastic ataxia of Charlevoix-Saguenay. Identifiers: Orphanet 98, MedGen C1849140, MONDO:0010041, OMIM 270550.
Spastic paraplegia. Identifiers: MedGen C0037772, HP:0001258.

Allele frequency attached by ClinVar (database versions not stated): ESP Exome Variant Server 0.20455; gnomAD 0.21747 and 0.22599; TOPMed 0.22934; 1000 Genomes Project 30x 0.25203; 1000 Genomes Project 0.25899; ExAC 0.27779.
gnomAD v4.1: 423,036 of 1,613,526 alleles (26%); highest among the groups gnomAD compares: Admixed American, 36%; 58,024 homozygotes.

Submissions (12):

Labcorp Genetics (formerly Invitae), Labcorp
Classification: Benign for Spastic paraplegia. Last evaluated: 2026-02-04. Review status: criteria provided, single submitter. Criteria: Invitae Variant Classification Sherloc (09022015). Collection method: clinical testing. Allele origin: germline.

Blueprint Genetics
Classification: Likely benign. Last evaluated: 2024-11-27. Review status: criteria provided, single submitter. Criteria: ACMG Guidelines, 2015. Collection method: clinical testing. Allele origin: germline.

Genome-Nilou Lab
Classification: Benign for Charlevoix-Saguenay spastic ataxia. Last evaluated: 2021-07-01. Review status: criteria provided, single submitter. Criteria: ACMG Guidelines, 2015. Collection method: clinical testing. Allele origin: germline. Affected: no.

GeneDx
Classification: Benign. Last evaluated: 2018-07-17. Review status: criteria provided, single submitter. Criteria: GeneDx Variant Classification Process June 2021. Collection method: clinical testing. Allele origin: germline. Affected: yes.

Genome Diagnostics Laboratory, The Hospital for Sick Children
Classification: Benign for Hereditary spastic paraplegia. Last evaluated: 2016-12-12. Review status: criteria provided, single submitter. Criteria: ACMG Guidelines, 2015. Collection method: clinical testing. Allele origin: germline. Affected: yes.

Breakthrough Genomics
Classification: Likely benign. Review status: criteria provided, single submitter. Criteria: ACMG Guidelines, 2015. Collection method: not provided. Allele origin: germline. Inheritance: Autosomal recessive inheritance. Affected: yes.

PreventionGenetics, part of Exact Sciences
Classification: Benign. Review status: criteria provided, single submitter. Criteria: ACMG Guidelines, 2015. Collection method: clinical testing. Allele origin: germline.

Natera, Inc.
Classification: Benign for Charlevoix-Saguenay type spastic ataxia. Last evaluated: 2019-11-19. Review status: no assertion criteria provided. Collection method: clinical testing. Allele origin: germline. Not counted in ClinVar's aggregate classification.

Mayo Clinic Laboratories, Mayo Clinic
Classification: Benign. Last evaluated: 2016-02-19. Review status: no assertion criteria provided. Collection method: clinical testing. Allele origin: unknown. Not counted in ClinVar's aggregate classification.

Clinical Genetics DNA and cytogenetics Diagnostics Lab, Erasmus MC, Erasmus Medical Center
Classification: Benign. Review status: no assertion criteria provided. Collection method: clinical testing. Allele origin: germline. Affected: yes. Study: VKGL Data-share Consensus. Not counted in ClinVar's aggregate classification.

Genetic Services Laboratory, University of Chicago
Classification: Likely benign for AllHighlyPenetrant. Review status: no assertion criteria provided. Collection method: clinical testing. Allele origin: germline. Inheritance: Autosomal recessive inheritance. Not counted in ClinVar's aggregate classification.
Comment: Likely benign based on allele frequency in 1000 Genomes Project or ESP global frequency and its presence in a patient with a rare or unrelated disease phenotype. NOT Sanger confirmed.

Joint Genome Diagnostic Labs from Nijmegen and Maastricht, Radboudumc and MUMC+
Classification: Benign. Review status: no assertion criteria provided. Collection method: clinical testing. Allele origin: germline. Affected: yes. Study: VKGL Data-share Consensus. Not counted in ClinVar's aggregate classification.